The following is an entry in ClinVar:

NM_007294.4(BRCA1):c.671-12G>T

Gene: BRCA1 (BRCA1 DNA repair associated; minus strand). Cytogenetic location: 17q21.31.
Variant type: single nucleotide variant.
Coding change: c.671-12G>T on transcript NM_007294.4 (MANE Select); 12 bases into the intron before coding-DNA position 671, G replaced by T.
Molecular consequence: intron variant.
Genome position (GRCh38, 1-based): chr17:43,094,872, C>A on the plus strand (G>T on the coding strand, the complement: BRCA1 is on the minus strand). VCF-style: chr17-43094872-C-A. GRCh37 (hg19) VCF-style: chr17-41246889-C-A.
Other names: c.671-12G>T (NM_001408472.1, NM_001407990.1, NM_007299.4 and 53 more transcripts); c.461-12G>T (NM_001408492.1, NM_001407889.1, NM_001408513.1 and 25 more transcripts); c.527-12G>T (NM_001408468.1, NM_001407842.1, NM_001407749.1 and 26 more transcripts); c.407-12G>T (NM_001408501.1, NM_001408500.1, NM_001407921.1 and 15 more transcripts); c.530-12G>T (NM_001408455.1, NM_001407731.1, NM_001407695.1 and 43 more transcripts); c.404-12G>T (NM_001408503.1, NM_001407934.1, NM_001408505.1 and 5 more transcripts); c.-218-12G>T (NM_001407966.1, NM_001407967.1); c.290-12G>T (NM_001407963.1, NM_001407960.1, NM_001407959.1 and 1 more transcripts); and 20 more.
Identifiers: ClinVar variation 516873 (VCV000516873.13), dbSNP rs781393191, ClinGen allele CA057817.
Genomic context (GRCh38, chr17:43,094,872, plus strand): 5'-TGATGATGTTCAGTATTTGTTACATCCGTCTCAGAAAATTCACAAGCAGCTGAAAATATA[C>A]AAAAATAACAAGGTACTCAAAAACTGAATTGTCATTAAAAAAATACATACTTCATACACC-3'

ClinVar aggregate classification (germline): Likely benign. Review status: criteria provided, multiple submitters, no conflicts (2 of 4 stars). 3 submissions from 3 submitters: Likely benign (3). Last evaluated 2026-01-28.

Conditions:
Hereditary cancer-predisposing syndrome. Also called: Tumor predisposition; Hereditary neoplastic syndrome; Neoplastic Syndromes, Hereditary; Hereditary Cancer Syndrome. Identifiers: Orphanet 140162, MedGen C0027672, MeSH D009386, MONDO:0015356.
Hereditary breast ovarian cancer syndrome. Also called: Hereditary breast and ovarian cancer syndrome (HBOC); Hereditary breast and ovarian cancer; Hereditary breast and ovarian cancer syndrome; Breast and ovarian cancer; BRCA1- and BRCA2-Associated Hereditary Breast and Ovarian Cancer; Hereditary breast and/or ovarian cancer syndrome. Identifiers: Orphanet 145, MedGen C0677776, MeSH D061325, MONDO:0003582. Disease mechanism: loss of function.

Allele frequency attached by ClinVar (database versions not stated): gnomAD exomes below 0.00001 and 0.00001; ExAC 0.00002.
gnomAD v4.1: 1 of 1,596,892 alleles (0.000063%); highest among the groups gnomAD compares: Non-Finnish European, 0.000085%; no homozygotes.

Submissions (3):

Labcorp Genetics (formerly Invitae), Labcorp
Classification: Likely benign for Hereditary breast ovarian cancer syndrome. Last evaluated: 2026-01-28. Review status: criteria provided, single submitter. Criteria: Invitae Variant Classification Sherloc (09022015). Collection method: clinical testing. Allele origin: germline.

Color Diagnostics, LLC DBA Color Health
Classification: Likely benign for Hereditary cancer-predisposing syndrome. Last evaluated: 2018-12-11. Review status: criteria provided, single submitter. Criteria: ACMG Guidelines, 2015. Collection method: clinical testing. Allele origin: germline.

GeneDx
Classification: Likely benign. Last evaluated: 2017-02-10. Review status: criteria provided, single submitter. Criteria: GeneDx Variant Classification (06012015). Collection method: clinical testing. Allele origin: germline. Affected: yes.
Comment: This variant is considered likely benign or benign based on one or more of the following criteria: it is a conservative change, it occurs at a poorly conserved position in the protein, it is predicted to be benign by multiple in silico algorithms, and/or has population frequency not consistent with disease.